The following is an entry in ClinVar:

ClinVar aggregate classification (germline): Uncertain significance (1 of 4 stars; one submission).

Conditions:
Familial thoracic aortic aneurysm and aortic dissection (TAAD). Also called: Thoracic aortic aneurysms and dissections. Identifiers: Orphanet 91387, MedGen C4707243, MONDO:0019625.

Submission:

Ambry Genetics
Classification: Uncertain significance for Familial thoracic aortic aneurysm and aortic dissection. Last evaluated: 2025-06-15. Review status: criteria provided, single submitter. Criteria: Ambry Variant Classification Scheme 2023. Collection method: clinical testing. Allele origin: germline.
Comment: The p.L96V variant (also known as c.286C>G), located in coding exon 1 of the MYH11 gene, results from a C to G substitution at nucleotide position 286. The leucine at codon 96 is replaced by valine, an amino acid with highly similar properties. This amino acid position is conserved. In addition, this alteration is predicted to be deleterious by in silico analysis. Based on the available evidence, the clinical significance of this variant remains unclear.

NM_002474.3(MYH11):c.286C>G (p.Leu96Val)

Gene: MYH11 (myosin heavy chain 11; minus strand). Cytogenetic location: 16p13.11.
Variant type: single nucleotide variant.
Coding change: c.286C>G on transcript NM_002474.3 (MANE Select); coding-DNA position 286, C replaced by G.
Protein change: p.Leu96Val; replaces leucine 96 with valine.
Molecular consequence: missense variant.
Genome position (GRCh38, 1-based): chr16:15,837,967, G>C on the plus strand (C>G on the coding strand, the complement: MYH11 is on the minus strand). VCF-style: chr16-15837967-G-C. GRCh37 (hg19) VCF-style: chr16-15931824-G-C.
Other names: c.286C>G, p.Leu96Val (NM_001040113.2, NM_001040114.2, NM_022844.3); short protein forms L96V.
Identifiers: ClinVar variation 4114583 (VCV004114583.1).